The following is an entry in ClinVar:

ClinVar aggregate classification (germline): Uncertain significance (1 of 4 stars; one submission).

gnomAD v4.1: 9 of 1,612,456 alleles (0.00056%); highest among the groups gnomAD compares: African/African-American, 0.0053%; no homozygotes.

Submission:

Mayo Clinic Laboratories, Mayo Clinic
Classification: Uncertain significance. Last evaluated: 2024-04-11. Review status: criteria provided, single submitter. Criteria: ACMG Guidelines, 2015. Collection method: clinical testing. Allele origin: germline. Observed: 1 variant allele.
Comment: PM2

NM_004357.5(CD151):c.331G>A (p.Ala111Thr)

Gene: CD151 (CD151 molecule (Raph blood group); plus strand). Cytogenetic location: 11p15.5.
Variant type: single nucleotide variant.
Coding change: c.331G>A on transcript NM_004357.5 (MANE Select); coding-DNA position 331, G replaced by A.
Protein change: p.Ala111Thr; replaces alanine 111 with threonine.
Molecular consequence: missense variant.
Genome position (GRCh38, 1-based): chr11:836,823, G>A. VCF-style: chr11-836823-G-A. GRCh37 (hg19) VCF-style: chr11-836823-G-A.
Other names: p.Ala111Thr; c.331G>A, p.Ala111Thr (NM_001039490.2, NM_139029.2, NM_139030.4); short protein forms A111T.
Identifiers: ClinVar variation 3380005 (VCV003380005.1).
Genomic context (GRCh38, chr11:836,823, plus strand): 5'-CCCCAGTACTTCATCCTGCTCCTCATCATCTTTCTGCTGGAGATCATCGCTGGTATCCTC[G>A]CCTACGCCTACTACCAGCAGGTGAGGGGCCTGGGCAGGCCATTCAGAGACACAGACATGC-3'
Protein context (NP_004348.2, residues 101-121): FLLEIIAGIL[Ala111Thr]YAYYQQLNTE